The following is an entry in ClinVar:

NM_000133.4(F9):c.263G>C (p.Trp88Ser)

Gene: F9 (coagulation factor IX; plus strand). Cytogenetic location: Xq27.1.
Variant type: single nucleotide variant.
Coding change: c.263G>C on transcript NM_000133.4 (MANE Select); coding-DNA position 263, G replaced by C.
Protein change: p.Trp88Ser; replaces tryptophan 88 with serine.
Molecular consequence: missense variant.
Genome position (GRCh38, 1-based): chrX:139,537,372, G>C. VCF-style: chrX-139537372-G-C. GRCh37 (hg19) VCF-style: chrX-138619531-G-C.
Other names: c.263G>C, p.Trp88Ser (NM_001313913.2); short protein forms W88S.
Identifiers: ClinVar variation 4820327 (VCV004820327.1).
Genomic context (GRCh38, chrX:139,537,372, plus strand): 5'-CAAAACACTTTAGATATTACCGTTAATTTGTCTTCTTTTATTCTTTATAGACTGAATTTT[G>C]GAAGCAGTATGTTGGTAAGCAATTCATTTTATCCTCTAGCTAATATATGAAACATATGAG-3'
Protein context (NP_000124.1, residues 78-98): FENTERTTEF[Trp88Ser]KQYVDGDQCE

ClinVar aggregate classification (germline): Uncertain significance (1 of 4 stars; one submission).

Conditions:
Hereditary factor IX deficiency disease (HEMB). Also called: Christmas Disease; F9 DEFICIENCY; FACTOR IX DEFICIENCY; PLASMA THROMBOPLASTIN COMPONENT DEFICIENCY; Hemophilia B. Identifiers: Orphanet 98879, MedGen C0008533, MeSH D002836, MONDO:0010604, OMIM 306900.

Submission:

Department Of Genetics, Lifeline Super Speciality Hospital, Adoor.
Classification: Uncertain significance for Hereditary factor IX deficiency disease. Last evaluated: 2025-07-23. Review status: criteria provided, single submitter. Criteria: ACMG Guidelines, 2015. Collection method: clinical testing. Allele origin: germline. Inheritance: X-linked recessive inheritance. Affected: yes. Observed: 1 variant allele, 1 hemizygote.
Comment: Hemizygous missense variant in exon 3 of factor IX gene. This c.263G>C variant has not been reported in 1000 genomes, gnomAD and TopMed, hence PM2 classification applied. Variant lies in the critical functional domain /mutational hotspot [vitamin K dependent carboxylation/ gamma carboxyglutamic (GLA) domain] where benign variant is rare, hence PM1 is applied. Multiple insilico predictions (SIFT, MutationTaster, Mutation Assessor, CADD, LRT, REVEL, AlphaMissense, DANN, BayesDel no AF, PROVEAN) suggests that the variant is deleterious and conserved across species, hence PP3 applied. Laboratory studies shows Factor IX deficiency (1.8%).

Literature cited by the submitters: PubMed 10094553.